The following is an entry in ClinVar:

NM_006767.4(LZTR1):c.2243A>C (p.Tyr748Ser)

Gene: LZTR1 (leucine zipper like post translational regulator 1; plus strand). Cytogenetic location: 22q11.21.
Variant type: single nucleotide variant.
Coding change: c.2243A>C on transcript NM_006767.4 (MANE Select); coding-DNA position 2243, A replaced by C.
Protein change: p.Tyr748Ser; replaces tyrosine 748 with serine.
Molecular consequence: missense variant.
Genome position (GRCh38, 1-based): chr22:20,996,719, A>C. VCF-style: chr22-20996719-A-C. GRCh37 (hg19) VCF-style: chr22-21351008-A-C.
Other names: c.2243A>C (NM_006767.3); short protein forms Y748S.
Identifiers: ClinVar variation 1360553 (VCV001360553.9), dbSNP rs749640575, ClinGen allele CA410780772.

ClinVar aggregate classification (germline): Uncertain significance. Review status: criteria provided, multiple submitters, no conflicts (2 of 4 stars). 2 submissions from 2 submitters: Uncertain significance (2). Last evaluated 2023-09-17.

Conditions:
Cardiovascular phenotype. Identifiers: MedGen CN230736.
Hereditary cancer-predisposing syndrome. Also called: Tumor predisposition; Hereditary neoplastic syndrome; Neoplastic Syndromes, Hereditary; Hereditary Cancer Syndrome. Identifiers: Orphanet 140162, MedGen C0027672, MeSH D009386, MONDO:0015356.

gnomAD v4.1: 1 of 1,613,506 alleles (0.000062%); highest among the groups gnomAD compares: Non-Finnish European, 0.000085%; no homozygotes.

Submissions (2):

Ambry Genetics
Classification: Uncertain significance for Cardiovascular phenotype; Hereditary cancer-predisposing syndrome. Last evaluated: 2023-09-17. Review status: criteria provided, single submitter. Criteria: Ambry Variant Classification Scheme 2023. Collection method: clinical testing. Allele origin: germline.
Comment: The p.Y748S variant (also known as c.2243A>C), located in coding exon 19 of the LZTR1 gene, results from an A to C substitution at nucleotide position 2243. The tyrosine at codon 748 is replaced by serine, an amino acid with dissimilar properties. This amino acid position is conserved. In addition, the in silico prediction for this alteration is inconclusive. Since supporting evidence is limited at this time, the clinical significance of this alteration remains unclear.

Labcorp Genetics (formerly Invitae), Labcorp
Classification: Uncertain significance. Last evaluated: 2021-06-12. Review status: criteria provided, single submitter. Criteria: Invitae Variant Classification Sherloc (09022015). Collection method: clinical testing. Allele origin: germline.
Comment: In summary, the available evidence is currently insufficient to determine the role of this variant in disease. Therefore, it has been classified as a Variant of Uncertain Significance. Algorithms developed to predict the effect of missense changes on protein structure and function (SIFT, PolyPhen-2, Align-GVGD) all suggest that this variant is likely to be disruptive, but these predictions have not been confirmed by published functional studies and their clinical significance is uncertain. This variant has not been reported in the literature in individuals with LZTR1-related conditions. This variant is not present in population databases (ExAC no frequency). This sequence change replaces tyrosine with serine at codon 748 of the LZTR1 protein (p.Tyr748Ser). The tyrosine residue is highly conserved and there is a large physicochemical difference between tyrosine and serine.